The following is an entry in ClinVar:

NM_000903.3(NQO1):c.556G>C (p.Glu186Gln)

Gene: NQO1 (NAD(P)H quinone dehydrogenase 1; minus strand). Cytogenetic location: 16q22.1.
Variant type: single nucleotide variant.
Coding change: c.556G>C on transcript NM_000903.3 (MANE Select); coding-DNA position 556, G replaced by C.
Protein change: p.Glu186Gln; replaces glutamic acid 186 with glutamine.
Molecular consequence: missense variant.
Genome position (GRCh38, 1-based): chr16:69,711,245, C>G on the plus strand (G>C on the coding strand, the complement: NQO1 is on the minus strand). VCF-style: chr16-69711245-C-G. GRCh37 (hg19) VCF-style: chr16-69745148-C-G.
Other names: c.454G>C, p.Glu152Gln (NM_001025433.2); c.442G>C, p.Glu148Gln (NM_001025434.2); c.340G>C, p.Glu114Gln (NM_001286137.2); short protein forms E114Q, E148Q, E152Q, E186Q.
Identifiers: ClinVar variation 3407562 (VCV003407562.1).

ClinVar aggregate classification (germline): Uncertain significance (1 of 4 stars; one submission).

Submission:

Ambry Genetics
Classification: Uncertain significance. Last evaluated: 2024-07-25. Review status: criteria provided, single submitter. Criteria: Ambry Variant Classification Scheme 2023. Collection method: clinical testing. Allele origin: germline.
Comment: The p.E186Q variant (also known as c.556G>C), located in coding exon 6 of the NQO1 gene, results from a G to C substitution at nucleotide position 556. The glutamic acid at codon 186 is replaced by glutamine, an amino acid with highly similar properties. This amino acid position is conserved. In addition, this alteration is predicted to be tolerated by in silico analysis. Based on the available evidence, the clinical significance of this variant remains unclear.